The following is an entry in ClinVar:

ClinVar aggregate classification (germline): Likely benign. Review status: criteria provided, multiple submitters, no conflicts (2 of 4 stars). 4 submissions from 4 submitters: Likely benign (4). Last evaluated 2025-07-06.

Conditions:
Hereditary cancer-predisposing syndrome. Also called: Neoplastic Syndromes, Hereditary; Hereditary neoplastic syndrome; Tumor predisposition; Hereditary Cancer Syndrome. Identifiers: Orphanet 140162, MedGen C0027672, MeSH D009386, MONDO:0015356.
POLD1-related polyposis and colorectal cancer syndrome (CRCS10). Also called: Colorectal cancer 10; COLORECTAL CANCER, SUSCEPTIBILITY TO, ON CHROMOSOME 19q; Colorectal cancer, susceptibility to, 10. Identifiers: Orphanet 220460, MedGen C2675481, MONDO:0012953, OMIM 612591.
POLD1-related disorder. Also called: POLD1-related condition; POLD1-related disorders.

Allele frequency attached by ClinVar (database versions not stated): gnomAD exomes below 0.00001.
gnomAD v4.1: 4 of 1,552,418 alleles (0.00026%); highest among the groups gnomAD compares: Non-Finnish European, 0.00035%; no homozygotes.

Submissions (4):

Labcorp Genetics (formerly Invitae), Labcorp
Classification: Likely benign for POLD1-related polyposis and colorectal cancer syndrome. Last evaluated: 2025-07-06. Review status: criteria provided, single submitter. Criteria: Invitae Variant Classification Sherloc (09022015). Collection method: clinical testing. Allele origin: germline.

Center for Genomic Medicine, Rigshospitalet, Copenhagen University Hospital
Classification: Likely benign. Last evaluated: 2025-03-04. Review status: criteria provided, single submitter. Criteria: ACMG Guidelines, 2015. Collection method: clinical testing. Allele origin: germline.

PreventionGenetics, part of Exact Sciences
Classification: Likely benign for POLD1-related condition. Last evaluated: 2025-02-19. Review status: criteria provided, single submitter. Criteria: ACMG Guidelines, 2015. Collection method: clinical testing. Allele origin: germline.
Comment: This variant is classified as likely benign based on ACMG/AMP sequence variant interpretation guidelines (Richards et al. 2015 PMID: 25741868, with internal and published modifications).

Ambry Genetics
Classification: Likely benign for Hereditary cancer-predisposing syndrome. Last evaluated: 2017-06-14. Review status: criteria provided, single submitter. Criteria: Ambry Variant Classification Scheme 2023. Collection method: clinical testing. Allele origin: germline.

NM_002691.4(POLD1):c.2931C>T (p.Gly977=)

Gene: POLD1 (DNA polymerase delta 1, catalytic subunit; plus strand). Cytogenetic location: 19q13.33.
Variant type: single nucleotide variant.
Coding change: c.2931C>T on transcript NM_002691.4 (MANE Select); coding-DNA position 2931, C replaced by T.
Protein change: p.Gly977=; no amino-acid change (glycine 977 retained).
Molecular consequence: synonymous variant. On other transcripts: non-coding transcript variant (1).
Genome position (GRCh38, 1-based): chr19:50,416,506, C>T. VCF-style: chr19-50416506-C-T. GRCh37 (hg19) VCF-style: chr19-50919763-C-T.
Other names: c.2931C>T, p.Gly977= (NM_001256849.1); c.3009C>T, p.Gly1003= (NM_001308632.1).
Identifiers: ClinVar variation 469310 (VCV000469310.18), dbSNP rs1298783717, ClinGen allele CA508305360.